The following is an entry in ClinVar:

NM_020937.4(FANCM):c.384C>G (p.Phe128Leu)

Gene: FANCM (FA complementation group M; plus strand). Cytogenetic location: 14q21.2.
Variant type: single nucleotide variant.
Coding change: c.384C>G on transcript NM_020937.4 (MANE Select); coding-DNA position 384, C replaced by G.
Protein change: p.Phe128Leu; replaces phenylalanine 128 with leucine.
Molecular consequence: missense variant.
Genome position (GRCh38, 1-based): chr14:45,136,415, C>G. VCF-style: chr14-45136415-C-G. GRCh37 (hg19) VCF-style: chr14-45605618-C-G.
Other names: c.384C>G, p.Phe128Leu (NM_001308133.2, NM_001308134.2); short protein forms F128L.
Identifiers: ClinVar variation 3512982 (VCV003512982.2).
Genomic context (GRCh38, chr14:45,136,415, plus strand): 5'-GGTGTGTCTGCCTACCGGACTGGGAAAGACCTTTATTGCCGCCGTGGTCATGTACAATTT[C>G]TACCGCTGGTTCCCTTCAGGAAAGGTGGTCTTCATGGCCCCAACGAAACCCTTGGTGACA-3'
Protein context (NP_065988.1, residues 118-138): TFIAAVVMYN[Phe128Leu]YRWFPSGKVV

ClinVar aggregate classification (germline): Uncertain significance. Review status: criteria provided, multiple submitters, no conflicts (2 of 4 stars). 2 submissions from 2 submitters: Uncertain significance (2). Last evaluated 2024-12-07.

Conditions:
Inborn genetic diseases. Identifiers: MedGen C0950123, MeSH D030342.

gnomAD v4.1: 2 of 1,614,218 alleles (0.00012%); highest among the groups gnomAD compares: Non-Finnish European, 0.00017%; no homozygotes.

Submissions (2):

Ambry Genetics
Classification: Uncertain significance for Inborn genetic diseases. Last evaluated: 2024-12-07. Review status: criteria provided, single submitter. Criteria: Ambry Variant Classification Scheme 2023. Collection method: clinical testing. Allele origin: germline.
Comment: The p.F128L variant (also known as c.384C>G), located in coding exon 1 of the FANCM gene, results from a C to G substitution at nucleotide position 384. The phenylalanine at codon 128 is replaced by leucine, an amino acid with highly similar properties. This amino acid position is conserved. In addition, this alteration is predicted to be tolerated by in silico analysis. Based on the available evidence, the clinical significance of this variant remains unclear.

Blueprint Genetics
Classification: Uncertain significance. Last evaluated: 2018-12-12. Review status: criteria provided, single submitter. Criteria: ACMG Guidelines, 2015. Collection method: clinical testing. Allele origin: germline.